The following is an entry in ClinVar:

Conditions:
Breast-ovarian cancer, familial, susceptibility to, 1 (BROVCA1). Also called: BRCA1 Hereditary Breast and Ovarian Cancer; OVARIAN CANCER, SUSCEPTIBILITY TO. Identifiers: Orphanet 145, MedGen C2676676, MONDO:0011450, OMIM 604370. Disease mechanism: loss of function.

Allele frequency attached by ClinVar (database versions not stated): gnomAD exomes below 0.00001.
gnomAD v4.1: 1 of 1,614,078 alleles (0.000062%); highest among the groups gnomAD compares: Non-Finnish European, 0.000085%; no homozygotes.

Submission:

Brotman Baty Institute, University of Washington
No classification provided (evidence only). Condition: Breast-ovarian cancer, familial 1. Review status: no classification provided. Collection method: in vitro. Allele origin: not applicable. Functional consequence: functionally_abnormal.
ClinVar note: "not provided" was previously submitted as the classification for the variant. However, the classification appeared to be based only on an observation of functional data so it was converted to no classification on 2025-07-30.

NM_007294.4(BRCA1):c.5519A>G (p.Asp1840Gly)

Gene: BRCA1 (BRCA1 DNA repair associated; minus strand). Cytogenetic location: 17q21.31.
Variant type: single nucleotide variant.
Coding change: c.5519A>G on transcript NM_007294.4 (MANE Select); coding-DNA position 5519, A replaced by G.
Protein change: p.Asp1840Gly; replaces aspartic acid 1840 with glycine.
Molecular consequence: missense variant. On other transcripts: 3 prime UTR variant (1), non-coding transcript variant (1).
Genome position (GRCh38, 1-based): chr17:43,045,751, T>C on the plus strand (A>G on the coding strand, the complement: BRCA1 is on the minus strand). VCF-style: chr17-43045751-T-C. GRCh37 (hg19) VCF-style: chr17-41197768-T-C.
Other names: c.5375A>G, p.Asp1792Gly (NM_001407736.1, NM_001407737.1, NM_001407738.1 and 18 more transcripts); c.5513A>G, p.Asp1838Gly (NM_001407631.1, NM_001407632.1, NM_001407633.1 and 13 more transcripts); c.5441A>G, p.Asp1814Gly (NM_001407653.1, NM_001407654.1, NM_001407655.1 and 1 more transcripts); c.5438A>G, p.Asp1813Gly (NM_001407656.1, NM_001407657.1, NM_001407658.1); c.5435A>G, p.Asp1812Gly (NM_001407659.1, NM_001407660.1, NM_001407661.1 and 2 more transcripts); c.5393A>G, p.Asp1798Gly (NM_001407672.1, NM_001407673.1, NM_001407674.1 and 8 more transcripts); c.5390A>G, p.Asp1797Gly (NM_001407681.1, NM_001407682.1, NM_001407683.1 and 6 more transcripts); c.5387A>G, p.Asp1796Gly (NM_001407691.1, NM_001407690.1); and 74 more; short protein forms D1793G, D736G, D1840G, D1861G, D1544G, D1686G, D1711G, D1750G.
Identifiers: ClinVar variation 868612 (VCV000868612.3), dbSNP rs2050874260, ClinGen allele CA10590281.